The following is an entry in ClinVar:

NM_001988.4(EVPL):c.1007G>A (p.Arg336His)

Gene: EVPL (envoplakin; minus strand). Cytogenetic location: 17q25.1.
Variant type: single nucleotide variant.
Coding change: c.1007G>A on transcript NM_001988.4 (MANE Select); coding-DNA position 1007, G replaced by A.
Protein change: p.Arg336His; replaces arginine 336 with histidine.
Molecular consequence: missense variant.
Genome position (GRCh38, 1-based): chr17:76,021,472, C>T on the plus strand (G>A on the coding strand, the complement: EVPL is on the minus strand). VCF-style: chr17-76021472-C-T. GRCh37 (hg19) VCF-style: chr17-74017553-C-T.
Other names: c.1007G>A, p.Arg336His (NM_001320747.2); short protein forms R336H.
Identifiers: ClinVar variation 2215414 (VCV002215414.24), dbSNP rs367727963, ClinGen allele CA8779088.
Genomic context (GRCh38, chr17:76,021,472, plus strand): 5'-CCGCCCCTGCCGCCCCTGCCGCCCCTGCCGCCCCTGCCGCCTGCCCGAGGGCTCACCCGG[C>T]GGTAGTCCTCCACGTGCTGCAGCTGGGTCTCCTGGCAGATACACAGGTTCAGGAAGTTCT-3'
Protein context (NP_001979.2, residues 326-346): ETQLQHVEDY[Arg336His]RFQEEADSVS

ClinVar aggregate classification (germline): Conflicting classifications of pathogenicity. Review status: criteria provided, conflicting classifications (1 of 4 stars). 2 submissions from 2 submitters: Uncertain significance (1); Likely benign (1). Last evaluated 2023-12-01.

Allele frequency attached by ClinVar (database versions not stated): TOPMed 0.00009; ESP Exome Variant Server 0.00015; gnomAD exomes 0.00017; gnomAD 0.00019; ExAC 0.00047; 1000 Genomes Project 0.00060; 1000 Genomes Project 30x 0.00062.
gnomAD v4.1: 293 of 1,607,606 alleles (0.018%); highest among the groups gnomAD compares: Middle Eastern, 0.32%; 2 homozygotes.

Submissions (2):

CeGaT Center for Human Genetics Tuebingen
Classification: Likely benign. Last evaluated: 2023-12-01. Review status: criteria provided, single submitter. Criteria: CeGaT Center For Human Genetics Tuebingen Variant Classification Criteria Version 2. Collection method: clinical testing. Allele origin: germline. Affected: yes. Observed: 1 variant allele.
Comment: EVPL: BP4

Ambry Genetics
Classification: Uncertain significance. Last evaluated: 2021-07-06. Review status: criteria provided, single submitter. Criteria: Ambry Variant Classification Scheme 2023. Collection method: clinical testing. Allele origin: germline.